The following is an entry in ClinVar:

NM_022051.3(EGLN1):c.1052C>A (p.Ala351Asp)

Gene: EGLN1 (egl-9 family hypoxia inducible factor 1; minus strand). Cytogenetic location: 1q42.2.
Variant type: single nucleotide variant.
Coding change: c.1052C>A on transcript NM_022051.3 (MANE Select); coding-DNA position 1052, C replaced by A.
Protein change: p.Ala351Asp; replaces alanine 351 with aspartic acid.
Molecular consequence: missense variant. On other transcripts: intron variant (1).
Genome position (GRCh38, 1-based): chr1:231,370,658, G>T on the plus strand (C>A on the coding strand, the complement: EGLN1 is on the minus strand). VCF-style: chr1-231370658-G-T. GRCh37 (hg19) VCF-style: chr1-231506404-G-T.
Other names: c.1052C>A, p.Ala351Asp (NM_001377260.1); c.1012-3022C>A (NM_001377261.1); short protein forms A351D.
Identifiers: ClinVar variation 4824047 (VCV004824047.1).

ClinVar aggregate classification (germline): Uncertain significance (1 of 4 stars; one submission).

Submission:

Ambry Genetics
Classification: Uncertain significance. Last evaluated: 2026-01-18. Review status: criteria provided, single submitter. Criteria: Ambry Variant Classification Scheme 2023. Collection method: clinical testing. Allele origin: germline.
Comment: The p.A351D variant (also known as c.1052C>A), located in coding exon 3 of the EGLN1 gene, results from a C to A substitution at nucleotide position 1052. The alanine at codon 351 is replaced by aspartic acid, an amino acid with dissimilar properties. This amino acid position is conserved. In addition, this alteration is predicted to be tolerated by in silico analysis. Based on the available evidence, the clinical significance of this variant remains unclear.